The following is an entry in ClinVar:

NM_004184.4(WARS1):c.814A>G (p.Ser272Gly)

Gene: WARS1 (tryptophanyl-tRNA synthetase 1; minus strand). Cytogenetic location: 14q32.2.
Variant type: single nucleotide variant.
Coding change: c.814A>G on transcript NM_004184.4 (MANE Select); coding-DNA position 814, A replaced by G.
Protein change: p.Ser272Gly; replaces serine 272 with glycine.
Molecular consequence: missense variant.
Genome position (GRCh38, 1-based): chr14:100,346,758, T>C on the plus strand (A>G on the coding strand, the complement: WARS1 is on the minus strand). VCF-style: chr14-100346758-T-C. GRCh37 (hg19) VCF-style: chr14-100813095-T-C.
Other names: c.814A>G, p.Ser272Gly (NM_173701.2); c.691A>G, p.Ser231Gly (NM_213645.2, NM_213646.2); short protein forms S231G, S272G.
Identifiers: ClinVar variation 4874925 (VCV004874925.2).

ClinVar aggregate classification (germline): Uncertain significance (1 of 4 stars; one submission).

Submission:

CeGaT Center for Human Genetics Tuebingen
Classification: Uncertain significance. Last evaluated: 2026-05-01. Review status: criteria provided, single submitter. Criteria: CeGaT Center For Human Genetics Tuebingen Variant Classification Criteria Version 2. Collection method: clinical testing. Allele origin: germline. Affected: yes. Observed: 1 variant allele.
Comment: WARS1: PM2